The following is an entry in ClinVar:

NM_001386795.1(DTNA):c.2128A>C (p.Ser710Arg)

Gene: DTNA (dystrobrevin alpha; plus strand). Cytogenetic location: 18q12.1.
Variant type: single nucleotide variant.
Coding change: c.2128A>C on transcript NM_001386795.1 (MANE Select); coding-DNA position 2128, A replaced by C.
Protein change: p.Ser710Arg; replaces serine 710 with arginine.
Molecular consequence: missense variant.
Genome position (GRCh38, 1-based): chr18:34,879,685, A>C. VCF-style: chr18-34879685-A-C. GRCh37 (hg19) VCF-style: chr18-32459649-A-C.
Other names: c.1867A>C, p.Ser623Arg (NM_001386753.1, NM_001198938.2, NM_001198940.2 and 5 more transcripts); c.1957A>C, p.Ser653Arg (NM_001386754.1, NM_001386755.1, NM_001386756.1 and 3 more transcripts); c.1954A>C, p.Ser652Arg (NM_001386760.1); c.1876A>C, p.Ser626Arg (NM_001386761.1, NM_032975.4); c.2047A>C, p.Ser683Arg (NM_001390.5); c.991A>C, p.Ser331Arg (NM_032980.4); c.1888A>C, p.Ser630Arg (NM_001198939.2); c.1174A>C, p.Ser392Arg (NM_001198942.1); and 5 more; short protein forms S623R, S652R, S331R, S392R, S373R, S630R, S653R, S710R.
Identifiers: ClinVar variation 3683674 (VCV003683674.2).

ClinVar aggregate classification (germline): Uncertain significance (1 of 4 stars; one submission).

Conditions:
Left ventricular noncompaction 1 (LVNC1). Also called: LEFT VENTRICULAR NONCOMPACTION 1 WITH OR WITHOUT CONGENITAL HEART DEFECTS. Identifiers: Orphanet 54260, MedGen C1858725, MONDO:0011403, OMIM 604169.

gnomAD v4.1: 3 of 1,614,122 alleles (0.00019%); highest among the groups gnomAD compares: Non-Finnish European, 0.00025%; no homozygotes.

Submission:

Labcorp Genetics (formerly Invitae), Labcorp
Classification: Uncertain significance for Left ventricular noncompaction 1. Last evaluated: 2024-05-01. Review status: criteria provided, single submitter. Criteria: Invitae Variant Classification Sherloc (09022015). Collection method: clinical testing. Allele origin: germline.
Comment: This sequence change replaces serine, which is neutral and polar, with arginine, which is basic and polar, at codon 683 of the DTNA protein (p.Ser683Arg). This variant is not present in population databases (gnomAD no frequency). This variant has not been reported in the literature in individuals affected with DTNA-related conditions. An algorithm developed to predict the effect of missense changes on protein structure and function (PolyPhen-2) suggests that this variant is likely to be tolerated. In summary, the available evidence is currently insufficient to determine the role of this variant in disease. Therefore, it has been classified as a Variant of Uncertain Significance.